The following is an entry in ClinVar:

NM_000384.3(APOB):c.5866T>G (p.Ser1956Ala)

Gene: APOB (apolipoprotein B; minus strand). Cytogenetic location: 2p24.1.
Variant type: single nucleotide variant.
Coding change: c.5866T>G on transcript NM_000384.3 (MANE Select); coding-DNA position 5866, T replaced by G.
Protein change: p.Ser1956Ala; replaces serine 1956 with alanine.
Molecular consequence: missense variant.
Genome position (GRCh38, 1-based): chr2:21,011,002, A>C on the plus strand (T>G on the coding strand, the complement: APOB is on the minus strand). VCF-style: chr2-21011002-A-C. GRCh37 (hg19) VCF-style: chr2-21233874-A-C.
Other names: short protein forms S1956A.
Identifiers: ClinVar variation 4783948 (VCV004783948.1).

ClinVar aggregate classification (germline): Uncertain significance (1 of 4 stars; one submission).

Conditions:
Familial hypobetalipoproteinemia 1. Also called: APOB-Related Familial Hypobetalipoproteinemia; Hypobetalipoproteinemia, normotriglyceridemic; Acanthocytosis with hypobetalipoproteinemia. Identifiers: MedGen C4551990, MONDO:0014252, OMIM 615558.
Hypercholesterolemia, autosomal dominant, type B (FHCL2). Also called: APOB-Related Familial Hypercholesterolemia, Autosomal Dominant; Familial hypercholesterolemia 2; Familial Hypercholesterolemia Type B; APOLIPOPROTEIN B-100, FAMILIAL DEFECTIVE; APOLIPOPROTEIN B-100, FAMILIAL LIGAND-DEFECTIVE; HYPERCHOLESTEROLEMIA, FAMILIAL, DUE TO LIGAND-DEFECTIVE APOLIPOPROTEIN B. Identifiers: MedGen C1704417, MONDO:0007751, OMIM 144010.

Submission:

Labcorp Genetics (formerly Invitae), Labcorp
Classification: Uncertain significance for Familial hypobetalipoproteinemia 1; Hypercholesterolemia, autosomal dominant, type B. Last evaluated: 2025-12-14. Review status: criteria provided, single submitter. Criteria: Invitae Variant Classification Sherloc (09022015). Collection method: clinical testing. Allele origin: germline.
Comment: This sequence change replaces serine, which is neutral and polar, with alanine, which is neutral and non-polar, at codon 1956 of the APOB protein (p.Ser1956Ala). This variant is not present in population databases (gnomAD no frequency). This variant has not been reported in the literature in individuals affected with APOB-related conditions. Invitae Evidence Modeling of protein sequence and biophysical properties (such as structural, functional, and spatial information, amino acid conservation, physicochemical variation, residue mobility, and thermodynamic stability) indicates that this missense variant is not expected to disrupt APOB protein function with a negative predictive value of 95%. In summary, the available evidence is currently insufficient to determine the role of this variant in disease. Therefore, it has been classified as a Variant of Uncertain Significance.